The following is an entry in ClinVar:

NM_014714.4(IFT140):c.2199+4C>T

Gene: IFT140 (intraflagellar transport 140; minus strand). Cytogenetic location: 16p13.3.
Variant type: single nucleotide variant.
Coding change: c.2199+4C>T on transcript NM_014714.4 (MANE Select); 4 bases into the intron after coding-DNA position 2199, C replaced by T.
Molecular consequence: intron variant.
Genome position (GRCh38, 1-based): chr16:1,561,981, G>A on the plus strand (C>T on the coding strand, the complement: IFT140 is on the minus strand). VCF-style: chr16-1561981-G-A. GRCh37 (hg19) VCF-style: chr16-1611982-G-A.
Identifiers: ClinVar variation 3911121 (VCV003911121.2).
Genomic context (GRCh38, chr16:1,561,981, plus strand): 5'-CAAGAGCCCAGCCAGGCAAGGGGAGAGATCAGAAGACACCTGTGCGGATGTCGTGGCTTC[G>A]TACCTTTCTTGTGAAGTAGTAATAAGGCACTTCCATCCCCAGGAGACTGTGGGAGGTGGC-3'

ClinVar aggregate classification (germline): Conflicting classifications of pathogenicity. Review status: criteria provided, conflicting classifications (1 of 4 stars). 2 submissions from 2 submitters: Uncertain significance (1); Likely benign (1). Last evaluated 2025-11-01.

Conditions:
Saldino-Mainzer syndrome (SRTD9). Also called: CONORENAL SYNDROME; Renal dysplasia, retinal pigmentary dystrophy, cerebellar ataxia and skeletal dysplasia; short-rib thoracic dysplasia 9 with or without polydactyly; SHORT-RIB THORACIC DYSPLASIA 9 WITHOUT POLYDACTYLY. Identifiers: Orphanet 140969, MedGen C1849437, MONDO:0009964, OMIM 266920.

gnomAD v4.1: 8 of 1,596,308 alleles (0.0005%); highest among the groups gnomAD compares: African/African-American, 0.0014%; no homozygotes.

Submissions (2):

Labcorp Genetics (formerly Invitae), Labcorp
Classification: Uncertain significance for Saldino-Mainzer syndrome. Last evaluated: 2025-11-01. Review status: criteria provided, single submitter. Criteria: Invitae Variant Classification Sherloc (09022015). Collection method: clinical testing. Allele origin: germline.
Comment: This sequence change falls in intron 18 of the IFT140 gene. It does not directly change the encoded amino acid sequence of the IFT140 protein. It affects a nucleotide within the consensus splice site. This variant is present in population databases (rs371891615, gnomAD 0.01%). This variant has not been reported in the literature in individuals affected with IFT140-related conditions. ClinVar contains an entry for this variant (Variation ID: 3911121). Variants that disrupt the consensus splice site are a relatively common cause of aberrant splicing (PMID: 17576681, 9536098). Algorithms developed to predict the effect of sequence changes on RNA splicing suggest that this variant is not likely to affect RNA splicing. In summary, the available evidence is currently insufficient to determine the role of this variant in disease. Therefore, it has been classified as a Variant of Uncertain Significance.

Laboratory of Genetics, Children's Clinical University Hospital Latvia
Classification: Likely benign. Last evaluated: 2025-02-16. Review status: criteria provided, single submitter. Criteria: ACMG Guidelines, 2015. Collection method: clinical testing. Allele origin: germline. Affected: yes.

Literature cited by the submitters: PubMed 17576681 (cited by Labcorp Genetics (formerly Invitae), Labcorp); PubMed 9536098 (cited by Labcorp Genetics (formerly Invitae), Labcorp).